The following is an entry in ClinVar:

NM_005476.7(GNE):c.887G>A (p.Cys296Tyr)

Gene: GNE (glucosamine (UDP-N-acetyl)-2-epimerase/N-acetylmannosamine kinase; minus strand). Cytogenetic location: 9p13.3.
Variant type: single nucleotide variant.
Coding change: c.887G>A on transcript NM_005476.7 (MANE Select); coding-DNA position 887, G replaced by A.
Protein change: p.Cys296Tyr; replaces cysteine 296 with tyrosine.
Molecular consequence: missense variant.
Genome position (GRCh38, 1-based): chr9:36,234,015, C>T on the plus strand (G>A on the coding strand, the complement: GNE is on the minus strand). VCF-style: chr9-36234015-C-T. GRCh37 (hg19) VCF-style: chr9-36234012-C-T.
Other names: c.980G>A, p.Cys327Tyr (NM_001128227.3); c.887G>A, p.Cys296Tyr (NM_001190383.3); c.557G>A, p.Cys186Tyr (NM_001190384.3); c.710G>A, p.Cys237Tyr (NM_001190388.2, NM_001374798.1); c.734G>A, p.Cys245Tyr (NM_001374797.1); short protein forms C186Y, C245Y, C327Y, C237Y, C296Y.
Identifiers: ClinVar variation 1934628 (VCV001934628.2), dbSNP rs745873662, ClinGen allele CA373430652.

ClinVar aggregate classification (germline): Uncertain significance (1 of 4 stars; one submission).

Conditions:
GNE myopathy (NM). Also called: MYOPATHY, DISTAL, WITH OR WITHOUT RIMMED VACUOLES; INCLUSION BODY MYOPATHY, HEREDITARY, AUTOSOMAL RECESSIVE; INCLUSION BODY MYOPATHY 2, AUTOSOMAL RECESSIVE; NONAKA DISTAL MYOPATHY; Inclusion body myopathy quadriceps sparing; IBM 2. Identifiers: Orphanet 602, MedGen C1853926, MONDO:0011603, OMIM 605820.
Sialuria. Also called: Sialic Acid Storage Disease; SIALURIA, FRENCH TYPE. Identifiers: Orphanet 3166, MedGen C0342853, MONDO:0010028, OMIM 269921.

Allele frequency attached by ClinVar (database versions not stated): TOPMed below 0.00001.
gnomAD v4.1: 1 of 1,614,202 alleles (0.000062%); highest among the groups gnomAD compares: Non-Finnish European, 0.000085%; no homozygotes.

Submission:

Labcorp Genetics (formerly Invitae), Labcorp
Classification: Uncertain significance for Sialuria; GNE myopathy. Last evaluated: 2022-06-09. Review status: criteria provided, single submitter. Criteria: Invitae Variant Classification Sherloc (09022015). Collection method: clinical testing. Allele origin: germline.
Comment: This sequence change replaces cysteine, which is neutral and slightly polar, with tyrosine, which is neutral and polar, at codon 327 of the GNE protein (p.Cys327Tyr). This variant is not present in population databases (gnomAD no frequency). This variant has not been reported in the literature in individuals affected with GNE-related conditions. Algorithms developed to predict the effect of missense changes on protein structure and function (SIFT, PolyPhen-2, Align-GVGD) all suggest that this variant is likely to be disruptive. In summary, the available evidence is currently insufficient to determine the role of this variant in disease. Therefore, it has been classified as a Variant of Uncertain Significance.